The following is an entry in ClinVar:

NM_001458.5(FLNC):c.969+56G>A

Gene: FLNC (filamin C; plus strand). Cytogenetic location: 7q32.1.
Variant type: single nucleotide variant.
Coding change: c.969+56G>A on transcript NM_001458.5 (MANE Select); 56 bases into the intron after coding-DNA position 969, G replaced by A.
Molecular consequence: intron variant.
Genome position (GRCh38, 1-based): chr7:128,837,811, G>A. VCF-style: chr7-128837811-G-A. GRCh37 (hg19) VCF-style: chr7-128477865-G-A.
Other names: c.969+56G>A (NM_001127487.2).
Identifiers: ClinVar variation 674466 (VCV000674466.2), dbSNP rs7787924, ClinGen allele CA12619177.

ClinVar aggregate classification (germline): Benign. Review status: criteria provided, multiple submitters, no conflicts (2 of 4 stars). 2 submissions from 2 submitters: Benign (2). Last evaluated 2018-06-18.

Allele frequency attached by ClinVar (database versions not stated): gnomAD exomes 0.05429; TOPMed 0.13674; 1000 Genomes Project 0.19748; 1000 Genomes Project 30x 0.20222.
gnomAD v4.1: 91,726 of 1,487,754 alleles (6.2%); highest among the groups gnomAD compares: East Asian, 29%; 6,510 homozygotes.

Submissions (2):

GeneDx
Classification: Benign. Last evaluated: 2018-06-18. Review status: criteria provided, single submitter. Criteria: GeneDx Variant Classification (06012015). Collection method: clinical testing. Allele origin: germline. Affected: yes.
Comment: This variant is considered likely benign or benign based on one or more of the following criteria: it is a conservative change, it occurs at a poorly conserved position in the protein, it is predicted to be benign by multiple in silico algorithms, and/or has population frequency not consistent with disease.

Breakthrough Genomics
Classification: Benign. Review status: criteria provided, single submitter. Criteria: ACMG Guidelines, 2015. Collection method: not provided. Allele origin: germline. Inheritance: Autosomal dominant inheritance. Affected: yes.